The following is an entry in ClinVar:

ClinVar aggregate classification (germline): Uncertain significance (1 of 4 stars; one submission).

Allele frequency attached by ClinVar (database versions not stated): gnomAD 0.00001.
gnomAD v4.1: 20 of 1,549,980 alleles (0.0013%); highest among the groups gnomAD compares: East Asian, 0.023%; no homozygotes.

Submission:

Labcorp Genetics (formerly Invitae), Labcorp
Classification: Uncertain significance. Last evaluated: 2023-12-18. Review status: criteria provided, single submitter. Criteria: Invitae Variant Classification Sherloc (09022015). Collection method: clinical testing. Allele origin: germline.
Comment: This sequence change replaces arginine, which is basic and polar, with histidine, which is basic and polar, at codon 1139 of the DCHS1 protein (p.Arg1139His). This variant is present in population databases (rs777617608, gnomAD 0.01%). This variant has not been reported in the literature in individuals affected with DCHS1-related conditions. ClinVar contains an entry for this variant (Variation ID: 1902435). Algorithms developed to predict the effect of missense changes on protein structure and function output the following: SIFT: "Not Available"; PolyPhen-2: "Benign"; Align-GVGD: "Not Available". The histidine amino acid residue is found in multiple mammalian species, which suggests that this missense change does not adversely affect protein function. In summary, the available evidence is currently insufficient to determine the role of this variant in disease. Therefore, it has been classified as a Variant of Uncertain Significance.

NM_003737.4(DCHS1):c.3416G>A (p.Arg1139His)

Gene: DCHS1 (dachsous cadherin-related 1; minus strand). Cytogenetic location: 11p15.4.
Variant type: single nucleotide variant.
Coding change: c.3416G>A on transcript NM_003737.4 (MANE Select); coding-DNA position 3416, G replaced by A.
Protein change: p.Arg1139His; replaces arginine 1139 with histidine.
Molecular consequence: missense variant.
Genome position (GRCh38, 1-based): chr11:6,632,096, C>T on the plus strand (G>A on the coding strand, the complement: DCHS1 is on the minus strand). VCF-style: chr11-6632096-C-T. GRCh37 (hg19) VCF-style: chr11-6653327-C-T.
Other names: short protein forms R1139H.
Identifiers: ClinVar variation 1902435 (VCV001902435.5), dbSNP rs777617608, ClinGen allele CA5860546.
Genomic context (GRCh38, chr11:6,632,096, plus strand): 5'-TGGGGGTGGATGCGGAAGGCCTTGCTGTCTTCAGACAGCTGTTGCAGGCTGTAGGTCAGA[C>T]GTCCATTGGGTCCTGAGTCTCGGTCAGTGGCAAAGACTCGGCCCACGCTGGTCCCTGGGG-3'
Protein context (NP_003728.1, residues 1129-1149): ATDRDSGPNG[Arg1139His]LTYSLQQLSE